The following is an entry in ClinVar:

NM_000059.4(BRCA2):c.8818_8824del (p.Lys2940fs)

Gene: BRCA2 (BRCA2 DNA repair associated; plus strand). Cytogenetic location: 13q13.1.
Variant type: Deletion.
Coding change: c.8818_8824del on transcript NM_000059.4 (MANE Select); coding-DNA positions 8818 to 8824, 7 bases deleted (AAACAAG; older notation c.8818_8824delAAACAAG).
Protein change: p.Lys2940fs; shifts the reading frame from lysine 2940.
Molecular consequence: frameshift variant.
Genome position (GRCh38, 1-based): chr13:32,379,380-32,379,386, AAACAAG deleted; deleting any 7 consecutive bases within chr13:32,379,377-32,379,386 gives the same sequence; the c. name uses the placement nearest the transcript's 3' end. VCF-style (leftmost placement, unchanged base first): chr13-32379376-TAAGAAAC-T. GRCh37 (hg19) VCF-style: chr13-32953513-TAAGAAAC-T.
Other names: c.8818_8824delAAACAAG (NM_000059.3); short protein forms K2940fs.
Identifiers: ClinVar variation 483038 (VCV000483038.13), dbSNP rs1555288379, ClinGen allele CA658656401.
Genomic context (GRCh38, chr13:32,379,376, plus strand): 5'-GGGTTATTTCAGTGAAGAGCAGTTAAGAGCCTTGAATAATCACAGGCAAATGTTGAATGA[TAAGAAAC>T]AAGCTCAGATCCAGTTGGAAATTAGGAAGGCCATGGAATCTGCTGAACAAAAGGAACAAG-3'

ClinVar aggregate classification (germline): Pathogenic. Review status: criteria provided, multiple submitters, no conflicts (2 of 4 stars). 2 submissions from 2 submitters: Pathogenic (2). Last evaluated 2024-02-14.

Conditions:
Hereditary breast ovarian cancer syndrome. Also called: Hereditary breast and ovarian cancer syndrome; Hereditary breast and ovarian cancer; Hereditary breast and ovarian cancer syndrome (HBOC); Breast and ovarian cancer; Hereditary breast and/or ovarian cancer syndrome; BRCA1- and BRCA2-Associated Hereditary Breast and Ovarian Cancer. Identifiers: Orphanet 145, MedGen C0677776, MeSH D061325, MONDO:0003582. Disease mechanism: loss of function.
Hereditary cancer-predisposing syndrome. Also called: Neoplastic Syndromes, Hereditary; Tumor predisposition; Hereditary Cancer Syndrome; Hereditary neoplastic syndrome. Identifiers: Orphanet 140162, MedGen C0027672, MeSH D009386, MONDO:0015356.

Submissions (2):

Labcorp Genetics (formerly Invitae), Labcorp
Classification: Pathogenic for Hereditary breast ovarian cancer syndrome. Last evaluated: 2024-02-14. Review status: criteria provided, single submitter. Criteria: Invitae Variant Classification Sherloc (09022015). Collection method: clinical testing. Allele origin: germline.
Comment: This sequence change creates a premature translational stop signal (p.Lys2940Leufs*34) in the BRCA2 gene. It is expected to result in an absent or disrupted protein product. Loss-of-function variants in BRCA2 are known to be pathogenic (PMID: 20104584). This variant is not present in population databases (gnomAD no frequency). This variant has not been reported in the literature in individuals affected with BRCA2-related conditions. ClinVar contains an entry for this variant (Variation ID: 483038). For these reasons, this variant has been classified as Pathogenic.

Ambry Genetics
Classification: Pathogenic for Hereditary cancer-predisposing syndrome. Last evaluated: 2016-08-05. Review status: criteria provided, single submitter. Criteria: Ambry Variant Classification Scheme 2023. Collection method: clinical testing. Allele origin: germline.
Comment: The c.8818_8824delAAACAAG pathogenic mutation, located in coding exon 21 of the BRCA2 gene, results from a deletion of 7 nucleotides at positions 8818 to 8824, causing a translational frameshift with a predicted alternate stop codon. This alteration is expected to result in loss of function by premature protein truncation or nonsense-mediated mRNA decay. As such, this alteration is interpreted as a disease-causing mutation.

Literature cited by the submitters: PubMed 20104584 (cited by Labcorp Genetics (formerly Invitae), Labcorp).